The following is an entry in ClinVar:

ClinVar aggregate classification (germline): Uncertain significance (1 of 4 stars; one submission).

Conditions:
Dilated cardiomyopathy 1W (CMD1W). Identifiers: Orphanet 154, MedGen C1969639, MONDO:0012667, OMIM 611407.

Submission:

Labcorp Genetics (formerly Invitae), Labcorp
Classification: Uncertain significance for Dilated cardiomyopathy 1W. Last evaluated: 2025-10-18. Review status: criteria provided, single submitter. Criteria: Invitae Variant Classification Sherloc (09022015). Collection method: clinical testing. Allele origin: germline.
Comment: This sequence change replaces alanine, which is neutral and non-polar, with glycine, which is neutral and non-polar, at codon 376 of the VCL protein (p.Ala376Gly). This variant is not present in population databases (gnomAD no frequency). This variant has not been reported in the literature in individuals affected with VCL-related conditions. ClinVar contains an entry for this variant (Variation ID: 853789). An algorithm developed to predict the effect of missense changes on protein structure and function (PolyPhen-2) suggests that this variant is likely to be disruptive. In summary, the available evidence is currently insufficient to determine the role of this variant in disease. Therefore, it has been classified as a Variant of Uncertain Significance.

NM_014000.3(VCL):c.1127C>G (p.Ala376Gly)

Gene: VCL (vinculin; plus strand). Cytogenetic location: 10q22.2.
Variant type: single nucleotide variant.
Coding change: c.1127C>G on transcript NM_014000.3 (MANE Select); coding-DNA position 1127, C replaced by G.
Protein change: p.Ala376Gly; replaces alanine 376 with glycine.
Molecular consequence: missense variant.
Genome position (GRCh38, 1-based): chr10:74,089,300, C>G. VCF-style: chr10-74089300-C-G. GRCh37 (hg19) VCF-style: chr10-75849058-C-G.
Other names: c.1127C>G, p.Ala376Gly (NM_003373.4); short protein forms A376G.
Identifiers: ClinVar variation 853789 (VCV000853789.9), dbSNP rs1420358609, ClinGen allele CA377272732.